The following is an entry in ClinVar:

ClinVar aggregate classification (germline): Likely benign. Review status: criteria provided, single submitter (1 of 4 stars). 2 submissions from 2 submitters: Likely benign (1). 1 of the submissions does not count toward it. Last evaluated 2025-06-12.

Conditions:
ITSN2-related disorder. Also called: ITSN2-related condition.

Allele frequency attached by ClinVar (database versions not stated): gnomAD 0.00017; 1000 Genomes Project 0.00020; ESP Exome Variant Server 0.00046; gnomAD exomes 0.00001; ExAC 0.00004; 1000 Genomes Project 30x 0.00016; TOPMed 0.00017.
gnomAD v4.1: 43 of 1,612,696 alleles (0.0027%); highest among the groups gnomAD compares: African/African-American, 0.052%; no homozygotes.

Submissions (2):

Labcorp Genetics (formerly Invitae), Labcorp
Classification: Likely benign. Last evaluated: 2025-06-12. Review status: criteria provided, single submitter. Criteria: Invitae Variant Classification Sherloc (09022015). Collection method: clinical testing. Allele origin: germline.

PreventionGenetics, part of Exact Sciences
Classification: Likely benign for ITSN2-related condition. Last evaluated: 2019-04-11. Review status: no assertion criteria provided. Collection method: clinical testing. Allele origin: germline. Not counted in ClinVar's aggregate classification.
Comment: This variant is classified as likely benign based on ACMG/AMP sequence variant interpretation guidelines (Richards et al. 2015 PMID: 25741868, with internal and published modifications).

NM_006277.3(ITSN2):c.2514A>G (p.Leu838=)

Gene: ITSN2 (intersectin 2; minus strand). Cytogenetic location: 2p23.3.
Variant type: single nucleotide variant.
Coding change: c.2514A>G on transcript NM_006277.3 (MANE Select); coding-DNA position 2514, A replaced by G.
Protein change: p.Leu838=; no amino-acid change (leucine 838 retained).
Molecular consequence: synonymous variant.
Genome position (GRCh38, 1-based): chr2:24,261,584, T>C on the plus strand (A>G on the coding strand, the complement: ITSN2 is on the minus strand). VCF-style: chr2-24261584-T-C. GRCh37 (hg19) VCF-style: chr2-24484453-T-C.
Other names: c.2433A>G, p.Leu811= (NM_001348183.2, NM_019595.4); c.2391A>G, p.Leu797= (NM_001348184.2); c.2475A>G, p.Leu825= (NM_001348185.2); c.2394A>G, p.Leu798= (NM_001348182.2, NM_001348186.2); c.2514A>G, p.Leu838= (NM_147152.3); c.2514A>G (NM_006277.2); c.2472A>G, p.Leu824= (NM_001348181.2).
Identifiers: ClinVar variation 2727717 (VCV002727717.5), dbSNP rs148314336, ClinGen allele CA1551160.